The following is an entry in ClinVar:

ClinVar aggregate classification (germline): Benign/Likely benign. Review status: criteria provided, multiple submitters, no conflicts (2 of 4 stars). 2 submissions from 2 submitters: Benign (1); Likely benign (1). Last evaluated 2023-03-01.

Conditions:
Hypoparathyroidism, deafness, renal disease syndrome (HDRS). Also called: HYPOPARATHYROIDISM, SENSORINEURAL DEAFNESS, AND RENAL DYSPLASIA SYNDROME. Identifiers: Orphanet 2237, MedGen C1840333, MONDO:0007797, OMIM 146255.

Allele frequency attached by ClinVar (database versions not stated): 1000 Genomes Project 0.00100; 1000 Genomes Project 30x 0.00109; gnomAD exomes 0.00190; gnomAD 0.00195 and 0.00199; TOPMed 0.00209.
gnomAD v4.1: 458 of 233,642 alleles (0.2%); highest among the groups gnomAD compares: Non-Finnish European, 0.31%; no homozygotes.

Submissions (2):

CeGaT Center for Human Genetics Tuebingen
Classification: Likely benign. Last evaluated: 2023-03-01. Review status: criteria provided, single submitter. Criteria: CeGaT Center For Human Genetics Tuebingen Variant Classification Criteria Version 2. Collection method: clinical testing. Allele origin: germline. Affected: yes. Observed: 1 variant allele.
Comment: GATA3: BS1

Illumina Laboratory Services, Illumina
Classification: Benign for Hypoparathyroidism, deafness, renal disease syndrome. Last evaluated: 2018-01-12. Review status: criteria provided, single submitter. Criteria: ICSL Variant Classification Criteria 13 December 2019. Collection method: clinical testing. Allele origin: germline.
Comment: This variant was observed in the ICSL laboratory as part of a predisposition screen in an ostensibly healthy population. It had not been previously curated by ICSL or reported in the Human Gene Mutation Database (HGMD: prior to June 1st, 2018), and was therefore a candidate for classification through an automated scoring system. Utilizing variant allele frequency, disease prevalence and penetrance estimates, and inheritance mode, an automated score was calculated to assess if this variant is too frequent to cause the disease. Based on the score and internal cut-off values, a variant classified as benign is not then subjected to further curation. The score for this variant resulted in a classification of benign for this disease.

NM_001002295.2(GATA3):c.*664C>T

Gene: GATA3 (GATA binding protein 3; plus strand). Cytogenetic location: 10p14.
Variant type: single nucleotide variant.
Coding change: c.*664C>T on transcript NM_001002295.2 (MANE Select); 664 bases downstream of the stop codon, C replaced by T.
Molecular consequence: 3 prime UTR variant.
Genome position (GRCh38, 1-based): chr10:8,074,687, C>T. VCF-style: chr10-8074687-C-T. GRCh37 (hg19) VCF-style: chr10-8116650-C-T.
Other names: c.*664C>T (NM_002051.3).
Identifiers: ClinVar variation 301142 (VCV000301142.29), dbSNP rs192494656, ClinGen allele CA10632564.